The following is an entry in ClinVar:

NM_000487.6(ARSA):c.116G>A (p.Gly39Asp)

Gene: ARSA (arylsulfatase A; minus strand). Cytogenetic location: 22q13.33.
Variant type: single nucleotide variant.
Coding change: c.116G>A on transcript NM_000487.6 (MANE Select); coding-DNA position 116, G replaced by A.
Protein change: p.Gly39Asp; replaces glycine 39 with aspartic acid.
Molecular consequence: missense variant. On other transcripts: intron variant (2).
Genome position (GRCh38, 1-based): chr22:50,627,664, C>T on the plus strand (G>A on the coding strand, the complement: ARSA is on the minus strand). VCF-style: chr22-50627664-C-T. GRCh37 (hg19) VCF-style: chr22-51066092-C-T.
Other names: c.116G>A, p.Gly39Asp (NM_001085425.3, NM_001085426.3, NM_001085427.3); c.-34-258G>A (NM_001362782.2, NM_001085428.3); short protein forms G39D.
Identifiers: ClinVar variation 2151873 (VCV002151873.8), dbSNP rs781625939, ClinGen allele CA10325113.

ClinVar aggregate classification (germline): Conflicting classifications of pathogenicity. Review status: criteria provided, conflicting classifications (1 of 4 stars). 3 submissions from 3 submitters: Pathogenic (1); Likely pathogenic (1); Uncertain significance (1). Last evaluated 2026-01-12.

Conditions:
Metachromatic leukodystrophy (MLD). Also called: ARSA DEFICIENCY; CEREBROSIDE SULFATASE DEFICIENCY; METACHROMATIC LEUKOENCEPHALOPATHY; SULFATIDE LIPIDOSIS; Cerebral sclerosis diffuse metachromatic form; Arylsulfatase A Deficiency. Identifiers: Orphanet 512, MedGen C0023522, MONDO:0018868, OMIM 250100.

Allele frequency attached by ClinVar (database versions not stated): gnomAD 0.00005; gnomAD exomes 0.00003; ExAC 0.00005; TOPMed 0.00006.

Submissions (4):

Labcorp Genetics (formerly Invitae), Labcorp
Classification: Pathogenic for Metachromatic leukodystrophy. Last evaluated: 2026-01-12. Review status: criteria provided, single submitter. Criteria: Invitae Variant Classification Sherloc (09022015). Collection method: clinical testing. Allele origin: germline.
Comment: This sequence change replaces glycine, which is neutral and non-polar, with aspartic acid, which is acidic and polar, at codon 39 of the ARSA protein (p.Gly39Asp). This variant is present in population databases (rs781625939, gnomAD 0.003%). This missense change has been observed in individual(s) with clinical features of metachromatic leukodystrophy (internal data). In at least one individual the data is consistent with being in trans (on the opposite chromosome) from a pathogenic variant. ClinVar contains an entry for this variant (Variation ID: 2151873). Invitae Evidence Modeling of protein sequence and biophysical properties (such as structural, functional, and spatial information, amino acid conservation, physicochemical variation, residue mobility, and thermodynamic stability) indicates that this missense variant is expected to disrupt ARSA protein function with a positive predictive value of 95%. Experimental studies have shown that this missense change affects ARSA function (PMID: 37480112). This variant disrupts the p.Gly39 amino acid residue in ARSA. Other variant(s) that disrupt this residue have been determined to be pathogenic (PMID: 31922725). This suggests that this residue is clinically significant, and that variants that disrupt this residue are likely to be disease-causing. For these reasons, this variant has been classified as Pathogenic.

Myriad Genetics, Inc.
Classification: Uncertain significance for Metachromatic leukodystrophy. Last evaluated: 2025-08-27. Review status: criteria provided, single submitter. Criteria: Myriad Autosomal Dominant, Autosomal Recessive and X-Linked Classification Criteria (2023). Collection method: clinical testing. Allele origin: unknown.
Comment: NM_000487.5(ARSA):c.116G>A(G39D) is a missense variant classified as a variant of uncertain significance in the context of metachromatic leukodystrophy. G39D has not been observed in cases with relevant disease. Relevant functional assessments of this variant are available in the literature (PMID: 37480112). G39D has been observed in referenced population frequency databases. In summary, there is insufficient evidence to classify NM_000487.5(ARSA):c.116G>A(G39D) as pathogenic or benign. Please note: this variant was assessed in the context of healthy population screening.

Women's Health and Genetics/Laboratory Corporation of America, LabCorp
Classification: Likely pathogenic for Metachromatic leukodystrophy. Last evaluated: 2025-06-17. Review status: criteria provided, single submitter. Criteria: LabCorp Variant Classification Summary - May 2015. Collection method: clinical testing. Allele origin: germline.
Comment: Variant summary: ARSA c.116G>A (p.Gly39Asp) results in a non-conservative amino acid change in the encoded protein sequence. Algorithms developed to predict the effect of missense changes on protein structure and function all suggest that this variant is likely to be disruptive. The variant allele was found at a frequency of 6.1e-06 in 165052 control chromosomes (gnomAD). c.116G>A has been observed in at least one individual affected with Metachromatic Leukodystrophy (Labcorp (formerly Invitae) internal case). A publication reported experimental evidence evaluating an impact on protein function, and demonstrated that the variant severely decreased enzyme activity (Trinidad_2023). The following publications have been ascertained in the context of this evaluation (PMID: 37480112). ClinVar contains an entry for this variant (Variation ID: 2151873). Based on the evidence outlined above, the variant was classified as likely pathogenic.

Gelb Laboratory, University of Washington
No classification provided (evidence only). Condition: Metachromatic leukodystrophy. Review status: no classification provided. Collection method: in vitro. Allele origin: not applicable. Functional consequence: loss of function. Not counted in ClinVar's aggregate classification.

Literature cited by the submitters: PubMed 37480112 (cited by 3 submitters); PubMed 31922725 (cited by Labcorp Genetics (formerly Invitae), Labcorp).